The following is an entry in ClinVar:

NM_001127511.3(APC):c.-215G>A

Genes: APC (APC regulator of Wnt signaling pathway; plus strand), LOC129994371 (ATAC-STARR-seq lymphoblastoid active region 22910; plus strand). Cytogenetic location: 5q22.2.
Variant type: single nucleotide variant.
Coding change: c.-215G>A on transcript NM_001127511.3; 215 bases upstream of the start codon, G replaced by A.
Molecular consequence: 5 prime UTR variant. On other transcripts: non-coding transcript variant (2).
Genome position (GRCh38, 1-based): chr5:112,707,503, G>A. VCF-style: chr5-112707503-G-A. GRCh37 (hg19) VCF-style: chr5-112043200-G-A.
Other names: c.-189G>A (NM_001407453.1); c.-398G>A (NM_001407456.1, NM_001407460.1, NM_001407469.1 and 3 more transcripts); c.-165G>A (NM_001407457.1, NM_001407458.1, NM_001407448.1 and 1 more transcripts); c.-1433G>A (NM_001407470.1, NM_001407472.1); c.-215G>A (NM_001354897.2, NM_001354902.2, NM_001407446.1).
Identifiers: ClinVar variation 1041870 (VCV001041870.7), dbSNP rs1750568226, ClinGen allele CA1573442365.

ClinVar aggregate classification (germline): Uncertain significance (1 of 4 stars; one submission).

Conditions:
Familial adenomatous polyposis 1 (FAP1). Also called: FAMILIAL ADENOMATOUS POLYPOSIS 1, ATTENUATED; POLYPOSIS, ADENOMATOUS INTESTINAL. Identifiers: MedGen C2713442, MONDO:0021056, OMIM 175100. Disease mechanism: loss of function.

Submission:

Labcorp Genetics (formerly Invitae), Labcorp
Classification: Uncertain significance for Familial adenomatous polyposis 1. Last evaluated: 2024-10-28. Review status: criteria provided, single submitter. Criteria: Invitae Variant Classification Sherloc (09022015). Collection method: clinical testing. Allele origin: germline.
Comment: This variant occurs in a non-coding region of the APC gene. It does not change the encoded amino acid sequence of the APC protein. This variant is not present in population databases (gnomAD no frequency). This variant has not been reported in the literature in individuals affected with APC-related conditions. Experimental studies and prediction algorithms are not available or were not evaluated, and the functional significance of this variant is currently unknown. In summary, the available evidence is currently insufficient to determine the role of this variant in disease. Therefore, it has been classified as a Variant of Uncertain Significance.